The following is an entry in ClinVar:

NM_000059.4(BRCA2):c.2144dup (p.Gln716fs)

Gene: BRCA2 (BRCA2 DNA repair associated; plus strand). Cytogenetic location: 13q13.1.
Variant type: Duplication.
Coding change: c.2144dup on transcript NM_000059.4 (MANE Select); coding-DNA position 2144, one base duplicated (G; older notation c.2144dupG).
Protein change: p.Gln716fs; shifts the reading frame from glutamine 716.
Molecular consequence: frameshift variant. On other transcripts: non-coding transcript variant (1), intron variant (2).
Genome position (GRCh38, 1-based): chr13:32,336,499, G duplicated; the last of 2 consecutive G bases (chr13:32,336,498-32,336,499); duplicating either gives the same sequence. VCF-style (leftmost placement, unchanged base first): chr13-32336497-A-AG. GRCh37 (hg19) VCF-style: chr13-32910634-A-AG.
Other names: c.2144dup, p.Gln716fs (NM_001406719.1, NM_001406720.1, NM_001432077.1); c.1909+3112dup (NM_001406721.1); c.424+5469dup (NM_001406722.1); short protein forms Q716fs.
Identifiers: ClinVar variation 4077020 (VCV004077020.1).

ClinVar aggregate classification (germline): Likely pathogenic (1 of 4 stars; one submission).

Conditions:
Hereditary breast ovarian cancer syndrome. Also called: BRCA1- and BRCA2-Associated Hereditary Breast and Ovarian Cancer; Hereditary breast and ovarian cancer; Hereditary breast and ovarian cancer syndrome (HBOC); Hereditary breast and/or ovarian cancer syndrome; Hereditary breast and ovarian cancer syndrome; Breast and ovarian cancer. Identifiers: Orphanet 145, MedGen C0677776, MeSH D061325, MONDO:0003582. Disease mechanism: loss of function.

Submission:

GeneKor MSA
Classification: Likely pathogenic for Hereditary breast ovarian cancer syndrome. Last evaluated: 2025-06-25. Review status: criteria provided, single submitter. Criteria: ACMG Guidelines, 2015. Collection method: clinical testing. Allele origin: germline. Affected: yes.
Comment: This is a single nucleotide duplication in exon 11 of the BRCA2 mRNA c.(2144dup), causing a frameshift after codon 716. This creates a premature translational stop signal 3 amino acid residues later- p.(Gln716Thrfs*3) and is expected to result in an absent or disrupted protein product. Loss-of-function variants in BRCA2 are known to be pathogenic (PMID:20104584). This variant is not present in population databases. This alteration has not been reported in individuals with hereditary cancer and has not been described in mutation database ClinVar. Based on the classification criteria set by the ACMG and AMP (PMID:25741868) this variant has been classified as likely pathogenic.

Literature cited by the submitters: PubMed 20104584.